The following is an entry in ClinVar:

NM_007294.4(BRCA1):c.677G>C (p.Cys226Ser)

Gene: BRCA1 (BRCA1 DNA repair associated; minus strand). Cytogenetic location: 17q21.31.
Variant type: single nucleotide variant.
Coding change: c.677G>C on transcript NM_007294.4 (MANE Select); coding-DNA position 677, G replaced by C.
Protein change: p.Cys226Ser; replaces cysteine 226 with serine.
Molecular consequence: missense variant. On other transcripts: non-coding transcript variant (1).
Genome position (GRCh38, 1-based): chr17:43,094,854, C>G on the plus strand (G>C on the coding strand, the complement: BRCA1 is on the minus strand). VCF-style: chr17-43094854-C-G. GRCh37 (hg19) VCF-style: chr17-41246871-C-G.
Other names: c.554G>C, p.Cys185Ser (NM_001407665.1, NM_001407666.1, NM_001407667.1 and 34 more transcripts); c.533G>C, p.Cys178Ser (NM_001408462.1, NM_001408463.1, NM_001408464.1 and 26 more transcripts); c.551G>C, p.Cys184Ser (NM_001407670.1, NM_001407671.1, NM_001407940.1 and 20 more transcripts); c.536G>C, p.Cys179Ser (NM_001408467.1, NM_001408466.1, NM_001407942.1 and 43 more transcripts); c.464G>C, p.Cys155Ser (NM_001407896.1, NM_001407897.1, NM_001407898.1 and 12 more transcripts); c.467G>C, p.Cys156Ser (NM_001407900.1, NM_001407902.1, NM_001407904.1 and 25 more transcripts); c.413G>C, p.Cys138Ser (NM_001407920.1, NM_001407921.1, NM_001407922.1 and 15 more transcripts); c.410G>C, p.Cys137Ser (NM_001407930.1, NM_001407931.1, NM_001407932.1 and 5 more transcripts); and 14 more; short protein forms C226S, C179S, C114S, C159S, C178S, C200S, C223S, C58S.
Identifiers: ClinVar variation 826617 (VCV000826617.8), dbSNP rs1376262238, ClinGen allele CA10600736.

ClinVar aggregate classification (germline): Conflicting classifications of pathogenicity. Review status: criteria provided, conflicting classifications (1 of 4 stars). 2 submissions from 2 submitters: Uncertain significance (1); Likely benign (1). Last evaluated 2024-05-23.

Conditions:
Hereditary cancer-predisposing syndrome. Also called: Neoplastic Syndromes, Hereditary; Tumor predisposition; Hereditary neoplastic syndrome; Hereditary Cancer Syndrome. Identifiers: Orphanet 140162, MedGen C0027672, MeSH D009386, MONDO:0015356.

gnomAD v4.1: 1 of 1,610,434 alleles (0.000062%); highest among the groups gnomAD compares: South Asian, 0.0011%; no homozygotes.

Submissions (2):

Ambry Genetics
Classification: Uncertain significance for Hereditary cancer-predisposing syndrome. Last evaluated: 2024-05-23. Review status: criteria provided, single submitter. Criteria: Ambry Variant Classification Scheme 2023. Collection method: clinical testing. Allele origin: germline.
Comment: The p.C226S variant (also known as c.677G>C), located in coding exon 9 of the BRCA1 gene, results from a G to C substitution at nucleotide position 677. The cysteine at codon 226 is replaced by serine, an amino acid with dissimilar properties. This amino acid position is well conserved in available vertebrate species. In addition, this alteration is predicted to be deleterious by in silico analysis. Since supporting evidence is limited at this time, the clinical significance of this alteration remains unclear.

University of Washington Department of Laboratory Medicine, University of Washington
Classification: Likely benign for Hereditary cancer-predisposing syndrome. Last evaluated: 2023-03-23. Review status: criteria provided, single submitter. Criteria: Dines et al. (Genet Med. 2020). Collection method: curation. Allele origin: germline.
Comment: Missense variant in a coldspot region where missense variants are very unlikely to be pathogenic (PMID:31911673).

BRCA1 coldspot (exon 11 using historical exon numbering). Reclassification based on statistical prior probability